The following is an entry in ClinVar:

NM_022765.4(MICAL1):c.1753G>C (p.Val585Leu)

Gene: MICAL1 (microtubule associated monooxygenase, calponin and LIM domain containing 1; minus strand). Cytogenetic location: 6q21.
Variant type: single nucleotide variant.
Coding change: c.1753G>C on transcript NM_022765.4 (MANE Select); coding-DNA position 1753, G replaced by C.
Protein change: p.Val585Leu; replaces valine 585 with leucine.
Molecular consequence: missense variant.
Genome position (GRCh38, 1-based): chr6:109,448,305, C>G on the plus strand (G>C on the coding strand, the complement: MICAL1 is on the minus strand). VCF-style: chr6-109448305-C-G. GRCh37 (hg19) VCF-style: chr6-109769508-C-G.
Other names: c.1495G>C, p.Val499Leu (NM_001159291.2); c.1810G>C, p.Val604Leu (NM_001286613.2); short protein forms V585L, V604L, V499L.
Identifiers: ClinVar variation 4778858 (VCV004778858.1).

ClinVar aggregate classification (germline): Uncertain significance (1 of 4 stars; one submission).

gnomAD v4.1: 9 of 1,614,022 alleles (0.00056%); highest among the groups gnomAD compares: Non-Finnish European, 0.00076%; no homozygotes.

Submission:

Labcorp Genetics (formerly Invitae), Labcorp
Classification: Uncertain significance. Last evaluated: 2025-04-07. Review status: criteria provided, single submitter. Criteria: Invitae Variant Classification Sherloc (09022015). Collection method: clinical testing. Allele origin: germline.
Comment: This sequence change replaces valine, which is neutral and non-polar, with leucine, which is neutral and non-polar, at codon 604 of the MICAL1 protein (p.Val604Leu). This variant is not present in population databases (gnomAD no frequency). This variant has not been reported in the literature in individuals affected with MICAL1-related conditions. An algorithm developed to predict the effect of missense changes on protein structure and function (PolyPhen-2) suggests that this variant is likely to be tolerated. In summary, the available evidence is currently insufficient to determine the role of this variant in disease. Therefore, it has been classified as a Variant of Uncertain Significance.